The following is an entry in ClinVar:

NM_003803.4(MYOM1):c.2750_2751del (p.Gln917fs)

Gene: MYOM1 (myomesin 1; minus strand). Cytogenetic location: 18p11.31.
Variant type: Deletion.
Coding change: c.2750_2751del on transcript NM_003803.4 (MANE Select); coding-DNA positions 2750 to 2751, 2 bases deleted (AG; older notation c.2750_2751delAG).
Protein change: p.Gln917fs; shifts the reading frame from glutamine 917.
Molecular consequence: frameshift variant. On other transcripts: intron variant (1).
Genome position (GRCh38, 1-based): chr18:3,129,275-3,129,276, CT deleted on the plus strand (AG on the coding strand, the reverse complement: MYOM1 is on the minus strand). VCF-style (leftmost placement, unchanged base first): chr18-3129274-CCT-C. GRCh37 (hg19) VCF-style: chr18-3129272-CCT-C.
Other names: c.2750_2751delAG (NM_003803.3); c.2506+2099_2506+2100del (NM_019856.2); short protein forms Q917fs.
Identifiers: ClinVar variation 524942 (VCV000524942.6), dbSNP rs1555620787, ClinGen allele CA658798999.

ClinVar aggregate classification (germline): Uncertain significance (1 of 4 stars; one submission).

Conditions:
Hypertrophic cardiomyopathy. Also called: HYPERTROPHIC MYOCARDIOPATHY. Identifiers: Orphanet 217569, MedGen C0007194, MeSH D002312, MONDO:0005045, HP:0001639.

Allele frequency attached by ClinVar (database versions not stated): gnomAD exomes below 0.00001.

Submission:

Labcorp Genetics (formerly Invitae), Labcorp
Classification: Uncertain significance for Hypertrophic cardiomyopathy. Last evaluated: 2025-01-29. Review status: criteria provided, single submitter. Criteria: Invitae Variant Classification Sherloc (09022015). Collection method: clinical testing. Allele origin: germline.
Comment: This sequence change creates a premature translational stop signal (p.Gln917Argfs*4) in the MYOM1 gene. It is expected to result in an absent or disrupted protein product. However, the current clinical and genetic evidence is not sufficient to establish whether loss-of-function variants in MYOM1 cause disease. This variant is not present in population databases (gnomAD no frequency). This variant has not been reported in the literature in individuals affected with MYOM1-related conditions. ClinVar contains an entry for this variant (Variation ID: 524942). In summary, the available evidence is currently insufficient to determine the role of this variant in disease. Therefore, it has been classified as a Variant of Uncertain Significance.